The following is an entry in ClinVar:

NM_000535.7(PMS2):c.1896A>C (p.Leu632Phe)

Gene: PMS2 (PMS1 homolog 2, mismatch repair system component; minus strand). Cytogenetic location: 7p22.1.
Variant type: single nucleotide variant.
Coding change: c.1896A>C on transcript NM_000535.7 (MANE Select); coding-DNA position 1896, A replaced by C.
Protein change: p.Leu632Phe; replaces leucine 632 with phenylalanine.
Molecular consequence: missense variant. On other transcripts: non-coding transcript variant (1), intron variant (1).
Genome position (GRCh38, 1-based): chr7:5,986,869, T>G on the plus strand (A>C on the coding strand, the complement: PMS2 is on the minus strand). VCF-style: chr7-5986869-T-G. GRCh37 (hg19) VCF-style: chr7-6026500-T-G.
Other names: c.1491A>C, p.Leu497Phe (NM_001322003.2, NM_001322004.2, NM_001322005.2 and 16 more transcripts); c.1740A>C, p.Leu580Phe (NM_001322006.2, NM_001406870.1); c.1578A>C, p.Leu526Phe (NM_001322007.2, NM_001322008.2, NM_001406876.1 and 2 more transcripts); c.1335A>C, p.Leu445Phe (NM_001322010.2, NM_001406906.1, NM_001406907.1); c.963A>C, p.Leu321Phe (NM_001322011.2, NM_001322012.2); c.1323A>C, p.Leu441Phe (NM_001322013.2, NM_001406909.1); c.1896A>C, p.Leu632Phe (NM_001322014.2, NM_001406871.1, NM_001406872.1); c.1587A>C, p.Leu529Phe (NM_001322015.2, NM_001406875.1, NM_001406877.1 and 5 more transcripts); and 13 more; short protein forms L461F, L474F, L497F, L524F, L526F, L529F, L375F, L477F.
Identifiers: ClinVar variation 4667504 (VCV004667504.1).

ClinVar aggregate classification (germline): Uncertain significance (1 of 4 stars; one submission).

Conditions:
Hereditary cancer-predisposing syndrome. Also called: Neoplastic Syndromes, Hereditary; Tumor predisposition; Hereditary Cancer Syndrome; Hereditary neoplastic syndrome. Identifiers: Orphanet 140162, MedGen C0027672, MeSH D009386, MONDO:0015356.

Submission:

Ambry Genetics
Classification: Uncertain significance for Hereditary cancer-predisposing syndrome. Last evaluated: 2025-10-30. Review status: criteria provided, single submitter. Criteria: Ambry Variant Classification Scheme 2023. Collection method: clinical testing. Allele origin: germline.
Comment: The p.L632F variant (also known as c.1896A>C), located in coding exon 11 of the PMS2 gene, results from an A to C substitution at nucleotide position 1896. The leucine at codon 632 is replaced by phenylalanine, an amino acid with highly similar properties. This amino acid position is conserved. In addition, this alteration is predicted to be tolerated by in silico analysis. Based on the available evidence, the clinical significance of this variant remains unclear.